The following is an entry in ClinVar:

ClinVar aggregate classification (germline): Pathogenic/Likely pathogenic. Review status: criteria provided, multiple submitters, no conflicts (2 of 4 stars). 2 submissions from 2 submitters: Pathogenic (1); Likely pathogenic (1). Last evaluated 2024-03-20.

Conditions:
Combined malonic and methylmalonic acidemia. Identifiers: Orphanet 289504, MedGen C3280314, MONDO:0013661, OMIM 614265.

Submissions (2):

Baylor Genetics
Classification: Likely pathogenic for Combined malonic and methylmalonic acidemia. Last evaluated: 2024-03-20. Review status: criteria provided, single submitter. Criteria: ACMG Guidelines, 2015. Collection method: clinical testing. Allele origin: unknown.

Labcorp Genetics (formerly Invitae), Labcorp
Classification: Pathogenic for Combined malonic and methylmalonic acidemia. Last evaluated: 2020-11-15. Review status: criteria provided, single submitter. Criteria: Invitae Variant Classification Sherloc (09022015). Collection method: clinical testing. Allele origin: germline.
Comment: This sequence change creates a premature translational stop signal (p.Gln395Glufs*24) in the ACSF3 gene. It is expected to result in an absent or disrupted protein product. Loss-of-function variants in ACSF3 are known to be pathogenic (PMID: 21841779, 26827111). This variant is not present in population databases (ExAC no frequency). For these reasons, this variant has been classified as Pathogenic. This variant has not been reported in the literature in individuals with ACSF3-related conditions.

Literature cited by the submitters: PubMed 21841779 (cited by Labcorp Genetics (formerly Invitae), Labcorp); PubMed 26827111 (cited by Labcorp Genetics (formerly Invitae), Labcorp).

NM_001243279.3(ACSF3):c.1183_1184del (p.Gln395fs)

Gene: ACSF3 (acyl-CoA synthetase family member 3; plus strand). Cytogenetic location: 16q24.3.
Variant type: Microsatellite.
Coding change: c.1183_1184del on transcript NM_001243279.3 (MANE Select); coding-DNA positions 1183 to 1184, 2 bases deleted (CA; older notation c.1183_1184delCA).
Protein change: p.Gln395fs; shifts the reading frame from glutamine 395.
Molecular consequence: frameshift variant. On other transcripts: non-coding transcript variant (3).
Genome position (GRCh38, 1-based): chr16:89,120,857-89,120,858, CA deleted; deleting any 2 consecutive bases within chr16:89,120,855-89,120,858 gives the same sequence; the c. name uses the placement nearest the transcript's 3' end. VCF-style (leftmost placement, unchanged base first): chr16-89120854-CCA-C. GRCh37 (hg19) VCF-style: chr16-89187262-CCA-C.
Other names: c.1183_1184del, p.Gln395fs (NM_001127214.4, NM_174917.5); c.388_389del, p.Gln130fs (NM_001284316.2); short protein forms Q130fs, Q395fs.
Identifiers: ClinVar variation 1456912 (VCV001456912.7), dbSNP rs2151478908, ClinGen allele CA2580613923.